The following is an entry in ClinVar:

NM_001374736.1(DST):c.23093A>G (p.Lys7698Arg)

Gene: DST (dystonin; minus strand). Cytogenetic location: 6p12.1.
Variant type: single nucleotide variant.
Coding change: c.23093A>G on transcript NM_001374736.1 (MANE Select); coding-DNA position 23093, A replaced by G.
Protein change: p.Lys7698Arg; replaces lysine 7698 with arginine.
Molecular consequence: missense variant.
Genome position (GRCh38, 1-based): chr6:56,460,232, T>C on the plus strand (A>G on the coding strand, the complement: DST is on the minus strand). VCF-style: chr6-56460232-T-C. GRCh37 (hg19) VCF-style: chr6-56325030-T-C.
Other names: c.16664A>G, p.Lys5555Arg (NM_001144769.5); c.16250A>G, p.Lys5417Arg (NM_001144770.2); c.23021A>G, p.Lys7674Arg (NM_001374722.1); c.22022A>G, p.Lys7341Arg (NM_001374729.1); c.15764A>G, p.Lys5255Arg (NM_001374730.1); c.23048A>G, p.Lys7683Arg (NM_001374734.1); c.15152A>G, p.Lys5051Arg (NM_015548.5); c.16130A>G, p.Lys5377Arg (NM_183380.4); short protein forms K5051R, K7341R, K7683R, K5255R, K5377R, K5417R, K5555R, K7698R.
Identifiers: ClinVar variation 965471 (VCV000965471.8), dbSNP rs2094258869, ClinGen allele CA364503855.
Genomic context (GRCh38, chr6:56,460,232, plus strand): 5'-AAGCCACTGTCCTCCCCAGAGTGGAAGCCTTTCCCTGATAAATATCCTGGAAGTCGAAGC[T>C]TGCTTCCTTGTATTGGCGTTCCCTGTATTTAACCAGCAACAAGACATTTCAAAATATTGC-3'
Protein context (NP_001361665.1, residues 7688-7708): SAEGTPIQGS[Lys7698Arg]LRLPGYLSGK

ClinVar aggregate classification (germline): Uncertain significance (1 of 4 stars; one submission).

Conditions:
Hereditary sensory and autonomic neuropathy type 6. Also called: Neuropathy, hereditary sensory and autonomic, type VI; HSAN VI. Identifiers: Orphanet 314381, MedGen C3539003, MONDO:0013839, OMIM 614653.
Epidermolysis bullosa simplex 3, localized or generalized intermediate, with BP230 deficiency (EBS3). Also called: Epidermolysis bullosa simplex, autosomal recessive 2; Epidermolysis bullosa simplex due to BP230 deficiency. Identifiers: Orphanet 412181, MedGen C3809470, MONDO:0014180, OMIM 615425.

Submission:

Labcorp Genetics (formerly Invitae), Labcorp
Classification: Uncertain significance for Epidermolysis bullosa simplex 3, localized or generalized intermediate, with BP230 deficiency; Hereditary sensory and autonomic neuropathy type 6. Last evaluated: 2019-10-08. Review status: criteria provided, single submitter. Criteria: Invitae Variant Classification Sherloc (09022015). Collection method: clinical testing. Allele origin: germline.
Comment: In summary, the available evidence is currently insufficient to determine the role of this variant in disease. Therefore, it has been classified as a Variant of Uncertain Significance. Algorithms developed to predict the effect of missense changes on protein structure and function are either unavailable or do not agree on the potential impact of this missense change (SIFT: "Deleterious"; PolyPhen-2: "Not Available"; Align-GVGD: "Class C0"). This variant has not been reported in the literature in individuals with DST-related conditions. This variant is not present in population databases (ExAC no frequency). This sequence change replaces lysine with arginine at codon 5051 of the DST protein (p.Lys5051Arg). The lysine residue is highly conserved and there is a small physicochemical difference between lysine and arginine. The DST gene has multiple clinically relevant transcripts. The p.Lys5051Arg variant occurs in alternate transcript NM_015548.4:, which corresponds to c.*155285A>G in NM_001723.5, the primary transcript listed in the Methods.